The following is an entry in ClinVar:

ClinVar aggregate classification (germline): Conflicting classifications of pathogenicity. Review status: criteria provided, conflicting classifications (1 of 4 stars). 2 submissions from 2 submitters: Uncertain significance (1); Likely benign (1). Last evaluated 2024-07-25.

Conditions:
Hereditary cancer-predisposing syndrome. Also called: Neoplastic Syndromes, Hereditary; Hereditary Cancer Syndrome; Tumor predisposition; Hereditary neoplastic syndrome. Identifiers: Orphanet 140162, MedGen C0027672, MeSH D009386, MONDO:0015356.

Allele frequency attached by ClinVar (database versions not stated): gnomAD exomes below 0.00001; ExAC 0.00001.
gnomAD v4.1: 1 of 1,614,180 alleles (0.000062%); no homozygotes.

Submissions (2):

Ambry Genetics
Classification: Likely benign for Hereditary cancer-predisposing syndrome. Last evaluated: 2024-07-25. Review status: criteria provided, single submitter. Criteria: Ambry Variant Classification Scheme 2023. Collection method: clinical testing. Allele origin: germline.

Color Diagnostics, LLC DBA Color Health
Classification: Uncertain significance for Hereditary cancer-predisposing syndrome. Last evaluated: 2020-02-09. Review status: criteria provided, single submitter. Criteria: ACMG Guidelines, 2015. Collection method: clinical testing. Allele origin: germline.
Comment: This missense variant replaces alanine with valine at codon 1627 of the BRCA1 protein. Computational prediction is inconclusive regarding the impact of this variant on protein structure and function (internally defined REVEL score threshold 0.5 < inconclusive < 0.7, PMID: 27666373). Splice site prediction tools suggest that this variant may not impact RNA splicing. To our knowledge, functional studies have not been performed for this variant. This variant has not been reported in individuals affected with hereditary cancer in the literature. This variant has been identified in 1/251362 chromosomes in the general population by the Genome Aggregation Database (gnomAD). The available evidence is insufficient to determine the role of this variant in disease conclusively. Therefore, this variant is classified as a Variant of Uncertain Significance.

NM_007294.4(BRCA1):c.4880C>T (p.Ala1627Val)

Gene: BRCA1 (BRCA1 DNA repair associated; minus strand). Cytogenetic location: 17q21.31.
Variant type: single nucleotide variant.
Coding change: c.4880C>T on transcript NM_007294.4 (MANE Select); coding-DNA position 4880, C replaced by T.
Protein change: p.Ala1627Val; replaces alanine 1627 with valine.
Molecular consequence: missense variant. On other transcripts: non-coding transcript variant (1).
Genome position (GRCh38, 1-based): chr17:43,071,034, G>A on the plus strand (C>T on the coding strand, the complement: BRCA1 is on the minus strand). VCF-style: chr17-43071034-G-A. GRCh37 (hg19) VCF-style: chr17-41223051-G-A.
Other names: c.4874C>T, p.Ala1625Val (NM_001407630.1, NM_001407635.1, NM_001407636.1 and 14 more transcripts); c.4613C>T, p.Ala1538Val (NM_001407933.1, NM_001407927.1, NM_001407928.1 and 4 more transcripts); c.4610C>T, p.Ala1537Val (NM_001407934.1, NM_001407935.1, NM_001407936.1); c.4757C>T, p.Ala1586Val (NM_001407937.1, NM_001407938.1, NM_001407664.1 and 6 more transcripts); c.4754C>T, p.Ala1585Val (NM_001407939.1, NM_001407940.1, NM_001407670.1 and 11 more transcripts); c.4751C>T, p.Ala1584Val (NM_001407941.1, NM_001407681.1, NM_001407682.1 and 6 more transcripts); c.4739C>T, p.Ala1580Val (NM_001407942.1, NM_007297.4, NM_001407692.1 and 13 more transcripts); c.4736C>T, p.Ala1579Val (NM_001407943.1, NM_001407944.1, NM_001407945.1 and 21 more transcripts); and 70 more; short protein forms A1627V, A523V, A1580V, A1648V, A1331V, A1499V, A1537V, A1557V.
Identifiers: ClinVar variation 927806 (VCV000927806.5), dbSNP rs764015648, ClinGen allele CA053410.